The following is an entry in ClinVar:

NM_000465.4(BARD1):c.1722C>T (p.Gly574=)

Gene: BARD1 (BRCA1 associated RING domain 1; minus strand). Cytogenetic location: 2q35.
Variant type: single nucleotide variant.
Coding change: c.1722C>T on transcript NM_000465.4 (MANE Select); coding-DNA position 1722, C replaced by T.
Protein change: p.Gly574=; no amino-acid change (glycine 574 retained).
Molecular consequence: synonymous variant. On other transcripts: non-coding transcript variant (3), intron variant (1).
Genome position (GRCh38, 1-based): chr2:214,745,810, G>A on the plus strand (C>T on the coding strand, the complement: BARD1 is on the minus strand). VCF-style: chr2-214745810-G-A. GRCh37 (hg19) VCF-style: chr2-215610534-G-A.
Other names: c.1665C>T, p.Gly555= (NM_001282543.2); c.369C>T, p.Gly123= (NM_001282545.2); c.312C>T, p.Gly104= (NM_001282548.2); c.365-15302C>T (NM_001282549.2).
Identifiers: ClinVar variation 3379361 (VCV003379361.1).

ClinVar aggregate classification (germline): Benign (1 of 4 stars; one submission).

Conditions:
Familial cancer of breast. Also called: hereditary breast carcinoma; Hereditary breast cancer; BREAST CANCER, FAMILIAL. Identifiers: Orphanet 227535, MedGen C0346153, MONDO:0016419, OMIM 114480. Disease mechanism: loss of function.

Submission:

Myriad Genetics, Inc.
Classification: Benign for Familial cancer of breast. Last evaluated: 2024-07-26. Review status: criteria provided, single submitter. Criteria: Myriad Autosomal Dominant, Autosomal Recessive and X-Linked Classification Criteria (2023). Collection method: clinical testing. Allele origin: unknown.
Comment: This variant is considered benign. This variant is a silent/synonymous amino acid change and it is not expected to impact splicing.